The following is an entry in ClinVar:

ClinVar aggregate classification (germline): Uncertain significance (1 of 4 stars; one submission).

Conditions:
Charcot-Marie-Tooth disease type 2. Also called: Charcot-Marie-Tooth type 2. Identifiers: Orphanet 64746, MedGen C0270914, MONDO:0018993.

Submission:

Labcorp Genetics (formerly Invitae), Labcorp
Classification: Uncertain significance for Charcot-Marie-Tooth disease type 2. Last evaluated: 2023-10-13. Review status: criteria provided, single submitter. Criteria: Invitae Variant Classification Sherloc (09022015). Collection method: clinical testing. Allele origin: unknown.
Comment: This variant results in a copy number gain of the genomic region encompassing exon(s) 5-11 of the BSCL2 gene. This region includes the termination codon of the gene. This copy number gain extends beyond the assayed region for this gene and therefore may encompass additional genes. As the precise location of this event is unknown, it may be in tandem or it may be located elsewhere in the genome. This variant has not been reported in the literature in individuals affected with BSCL2-related conditions. Experimental studies and prediction algorithms are not available or were not evaluated, and the functional significance of this variant is currently unknown. In summary, the available evidence is currently insufficient to determine the role of this variant in disease. Therefore, it has been classified as a Variant of Uncertain Significance.

NC_000011.9:g.(?_62457839)_(62460289_?)dup

Gene: BSCL2 (BSCL2 lipid droplet biogenesis associated, seipin; minus strand). Cytogenetic location: 11q12.3.
Variant type: Duplication.
Identifiers: ClinVar variation 3244694 (VCV003244694.1).